The following is an entry in ClinVar:

ClinVar aggregate classification (germline): Uncertain significance. Review status: criteria provided, multiple submitters, no conflicts (2 of 4 stars). 2 submissions from 2 submitters: Uncertain significance (2). Last evaluated 2025-05-03.

Conditions:
Tietz syndrome (TADS). Also called: ALBINISM-DEAFNESS OF TIETZ; HYPOPIGMENTATION/DEAFNESS OF TIETZ; TIETZ ALBINISM-DEAFNESS SYNDROME. Identifiers: Orphanet 42665, MedGen C0391816, MONDO:0007077, OMIM 103500.
Melanoma, cutaneous malignant, susceptibility to, 8. Also called: MELANOMA AND RENAL CELL CARCINOMA, SUSCEPTIBILITY TO; Cutaneous malignant melanoma 8. Identifiers: Orphanet 293822, MedGen C3152204, MONDO:0013759, OMIM 614456.
Waardenburg syndrome type 2A (WS2A). Also called: WAARDENBURG SYNDROME WITHOUT DYSTOPIA CANTHORUM. Identifiers: Orphanet 3440, MedGen C1860339, MONDO:0008671, OMIM 193510.
Hereditary cancer-predisposing syndrome. Also called: Neoplastic Syndromes, Hereditary; Tumor predisposition; Hereditary neoplastic syndrome; Hereditary Cancer Syndrome. Identifiers: Orphanet 140162, MedGen C0027672, MeSH D009386, MONDO:0015356.

Submissions (2):

Ambry Genetics
Classification: Uncertain significance for Hereditary cancer-predisposing syndrome. Last evaluated: 2025-05-03. Review status: criteria provided, single submitter. Criteria: Ambry Variant Classification Scheme 2023. Collection method: clinical testing. Allele origin: germline.
Comment: The p.D117H variant (also known as c.349G>C), located in coding exon 4 of the MITF gene, results from a G to C substitution at nucleotide position 349. The aspartic acid at codon 117 is replaced by histidine, an amino acid with similar properties. This amino acid position is conserved. In addition, the in silico prediction for this alteration is inconclusive. Based on the available evidence, the clinical significance of this variant remains unclear.

Labcorp Genetics (formerly Invitae), Labcorp
Classification: Uncertain significance for Melanoma, cutaneous malignant, susceptibility to, 8; Waardenburg syndrome type 2A; Tietz syndrome. Last evaluated: 2025-04-14. Review status: criteria provided, single submitter. Criteria: Invitae Variant Classification Sherloc (09022015). Collection method: clinical testing. Allele origin: germline.
Comment: This sequence change replaces aspartic acid, which is acidic and polar, with histidine, which is basic and polar, at codon 117 of the MITF protein (p.Asp117His). This variant is not present in population databases (gnomAD no frequency). This variant has not been reported in the literature in individuals affected with MITF-related conditions. Invitae Evidence Modeling of protein sequence and biophysical properties (such as structural, functional, and spatial information, amino acid conservation, physicochemical variation, residue mobility, and thermodynamic stability) indicates that this missense variant is expected to disrupt MITF protein function with a positive predictive value of 80%. In summary, the available evidence is currently insufficient to determine the role of this variant in disease. Therefore, it has been classified as a Variant of Uncertain Significance.

NM_001354604.2(MITF):c.670G>C (p.Asp224His)

Gene: MITF (melanocyte inducing transcription factor; plus strand). Cytogenetic location: 3p13.
Variant type: single nucleotide variant.
Coding change: c.670G>C on transcript NM_001354604.2 (MANE Select); coding-DNA position 670, G replaced by C.
Protein change: p.Asp224His; replaces aspartic acid 224 with histidine.
Molecular consequence: missense variant.
Genome position (GRCh38, 1-based): chr3:69,941,239, G>C. VCF-style: chr3-69941239-G-C. GRCh37 (hg19) VCF-style: chr3-69990390-G-C.
Other names: c.349G>C, p.Asp117His (NM_000248.4, NM_198158.3); c.514G>C, p.Asp172His (NM_001184967.2, NM_001354608.2); c.667G>C, p.Asp223His (NM_001354605.2, NM_001354606.2, NM_006722.3); c.619G>C, p.Asp207His (NM_001354607.2); c.670G>C, p.Asp224His (NM_198159.3); c.622G>C, p.Asp208His (NM_198177.3); c.181G>C, p.Asp61His (NM_198178.3); short protein forms D117H, D172H, D224H, D223H, D61H, D207H, D208H.
Identifiers: ClinVar variation 4055201 (VCV004055201.2).